The following is an entry in ClinVar:

ClinVar aggregate classification (germline): Conflicting classifications of pathogenicity. Review status: criteria provided, conflicting classifications (1 of 4 stars). 2 submissions from 2 submitters: Uncertain significance (1); Likely benign (1). Last evaluated 2025-08-30.

Conditions:
Primary ciliary dyskinesia. Also called: Ciliary dyskinesia. Identifiers: Orphanet 244, MedGen C0008780, MONDO:0016575, HP:0012265.

gnomAD v4.1: 100 of 1,614,116 alleles (0.0062%); highest among the groups gnomAD compares: South Asian, 0.098%; 1 homozygote.

Submissions (2):

Ambry Genetics
Classification: Likely benign for Primary ciliary dyskinesia. Last evaluated: 2025-08-30. Review status: criteria provided, single submitter. Criteria: Ambry Variant Classification Scheme 2023. Collection method: clinical testing. Allele origin: germline.

Labcorp Genetics (formerly Invitae), Labcorp
Classification: Uncertain significance for Primary ciliary dyskinesia. Last evaluated: 2024-10-30. Review status: criteria provided, single submitter. Criteria: Invitae Variant Classification Sherloc (09022015). Collection method: clinical testing. Allele origin: germline.
Comment: This sequence change replaces proline, which is neutral and non-polar, with serine, which is neutral and polar, at codon 113 of the DNAAF3 protein (p.Pro113Ser). This variant is present in population databases (rs754821642, gnomAD 0.1%), including at least one homozygous and/or hemizygous individual. This variant has not been reported in the literature in individuals affected with DNAAF3-related conditions. An algorithm developed to predict the effect of missense changes on protein structure and function (PolyPhen-2) suggests that this variant is likely to be disruptive. In summary, the available evidence is currently insufficient to determine the role of this variant in disease. Therefore, it has been classified as a Variant of Uncertain Significance.

NM_001256715.2(DNAAF3):c.133C>T (p.Pro45Ser)

Genes: DNAAF3 (dynein axonemal assembly factor 3; minus strand), DNAAF3-AS1 (DNAAF3 antisense RNA 1; plus strand). Cytogenetic location: 19q13.42.
Variant type: single nucleotide variant.
Coding change: c.133C>T on transcript NM_001256715.2 (MANE Select); coding-DNA position 133, C replaced by T.
Protein change: p.Pro45Ser; replaces proline 45 with serine.
Molecular consequence: missense variant. On other transcripts: 5 prime UTR variant (1).
Genome position (GRCh38, 1-based): chr19:55,165,953, G>A on the plus strand (C>T on the coding strand, the complement: DNAAF3 is on the minus strand). VCF-style: chr19-55165953-G-A. GRCh37 (hg19) VCF-style: chr19-55677321-G-A.
Other names: c.337C>T, p.Pro113Ser (NM_001256714.1); c.-106C>T (NM_001256716.2); c.274C>T, p.Pro92Ser (NM_178837.4); short protein forms P45S, P92S, P113S.
Identifiers: ClinVar variation 3714773 (VCV003714773.2).